The following is an entry in ClinVar:

ClinVar aggregate classification (germline): Pathogenic (1 of 4 stars; one submission).

Submission:

GeneDx
Classification: Pathogenic. Last evaluated: 2013-02-12. Review status: criteria provided, single submitter. Criteria: GeneDx Variant Classification (06012015). Collection method: clinical testing. Allele origin: germline. Affected: yes.
Comment: c.2496+4_2496+5delinsGTAAC : IVS24+(4_5)delATinsGTAAC in intron 24 of the OPA1 gene (NM_015560.2) The c.2496+4_2496+5delinsGTAAC splice site mutation in the OPA1 gene has been previously reported to segregate with the phenotype in a Danish family with autosomal dominant optic atrophy (Almind et al., 2012). This mutation is predicted to destroy the splice donor site in intron 24, and is expected to cause abnormal gene splicing. The variant is found in OAPEO-MITOP panel(s).

NM_130837.3(OPA1):c.2661+4_2661+5delinsGTAAC

Gene: OPA1 (OPA1 mitochondrial dynamin like GTPase; plus strand). Cytogenetic location: 3q29.
Variant type: Indel.
Coding change: c.2661+4_2661+5delinsGTAAC on transcript NM_130837.3 (MANE Select); bases 4 to 5 of the intron after coding-DNA position 2661, AT replaced by GTAAC.
Molecular consequence: intron variant.
Genome position (GRCh38, 1-based): chr3:193,662,966-193,662,967, AT replaced by GTAAC. VCF-style: chr3-193662966-AT-GTAAC. GRCh37 (hg19) VCF-style: chr3-193380755-AT-GTAAC.
Other names: c.2124+4_2124+5delinsGTAAC (NM_001354664.2); c.2127+4_2127+5delinsGTAAC (NM_001354663.2); c.2550+4_2550+5delinsGTAAC (NM_130834.3); c.2607+4_2607+5delinsGTAAC (NM_130836.3); c.2496+4_2496+5delinsGTAAC (NM_015560.3); c.2553+4_2553+5delinsGTAAC (NM_130835.3); c.2442+4_2442+5delinsGTAAC (NM_130832.3); c.2499+4_2499+5delinsGTAAC (NM_130833.3); and 1 more.
Identifiers: ClinVar variation 214919 (VCV000214919.1), dbSNP rs863224143, ClinGen allele CA323013.